The following is an entry in ClinVar:

NM_003000.3(SDHB):c.331C>T (p.Leu111=)

Gene: SDHB (succinate dehydrogenase complex iron sulfur subunit B; minus strand). Cytogenetic location: 1p36.13.
Variant type: single nucleotide variant.
Coding change: c.331C>T on transcript NM_003000.3 (MANE Select); coding-DNA position 331, C replaced by T.
Protein change: p.Leu111=; no amino-acid change (leucine 111 retained).
Molecular consequence: synonymous variant.
Genome position (GRCh38, 1-based): chr1:17,028,692, G>A on the plus strand (C>T on the coding strand, the complement: SDHB is on the minus strand). VCF-style: chr1-17028692-G-A. GRCh37 (hg19) VCF-style: chr1-17355187-G-A.
Other names: c.331C>T, p.Leu111= (NM_001407361.1).
Identifiers: ClinVar variation 2112034 (VCV002112034.5), dbSNP rs2078005090, ClinGen allele CA416087948.
Genomic context (GRCh38, chr1:17,028,692, plus strand): 5'-GAAGAGGGTAGATTTTTGAGACCTTATTGAGGTTGGTGTCAATCCTTCGGGTGCAAGCTA[G>A]AGTGTTGCCTCCATTGATGTTCATTGCACAAGAGCCACAGATGCCTGAAAGAGACACACA-3'
Protein context (NP_002991.2, residues 101-121): CAMNINGGNT[Leu111=]ACTRRIDTNL

ClinVar aggregate classification (germline): Benign/Likely benign. Review status: criteria provided, multiple submitters, no conflicts (2 of 4 stars). 2 submissions from 2 submitters: Benign (1); Likely benign (1). Last evaluated 2025-11-10.

Conditions:
Pheochromocytoma. Also called: MAX-Related Hereditary Paraganglioma-Pheochromocytoma Syndrome. Identifiers: Orphanet 29072, MedGen C0031511, MONDO:0008233, OMIM 171300, HP:0002666.
Pheochromocytoma/paraganglioma syndrome 4. Also called: CAROTID BODY TUMORS AND MULTIPLE EXTRAADRENAL PHEOCHROMOCYTOMAS; PARAGANGLIOMA, FAMILIAL MALIGNANT; PARAGANGLIOMAS, HEREDITARY EXTRAADRENAL; PHEOCHROMOCYTOMA, FAMILIAL EXTRAADRENAL; Paragangliomas 4; SDHB-Related Hereditary Paraganglioma-Pheochromocytoma Syndrome (Paragangliomas 4). Identifiers: Orphanet 29072, MedGen C1861848, MONDO:0007273, OMIM 115310.
Gastrointestinal stromal tumor. Also called: Gastrointestinal stroma tumor; Gastrointestinal stromal tumor, somatic. Identifiers: Orphanet 44890, MedGen C0238198, MeSH D046152, MONDO:0011719, OMIM 606764, HP:0100723.

gnomAD v4.1: 1 of 1,614,174 alleles (0.000062%); highest among the groups gnomAD compares: Non-Finnish European, 0.000085%; no homozygotes.

Submissions (2):

Labcorp Genetics (formerly Invitae), Labcorp
Classification: Likely benign for Gastrointestinal stromal tumor; Pheochromocytoma/paraganglioma syndrome 4; Pheochromocytoma. Last evaluated: 2025-11-10. Review status: criteria provided, single submitter. Criteria: Invitae Variant Classification Sherloc (09022015). Collection method: clinical testing. Allele origin: germline.

Myriad Genetics, Inc.
Classification: Benign for Pheochromocytoma/paraganglioma syndrome 4. Last evaluated: 2025-03-12. Review status: criteria provided, single submitter. Criteria: Myriad Autosomal Dominant, Autosomal Recessive and X-Linked Classification Criteria (2023). Collection method: clinical testing. Allele origin: unknown.
Comment: This variant is considered benign. This variant is a silent/synonymous amino acid change and it is not expected to impact splicing.